The following is an entry in ClinVar:

NM_001283009.2(RTEL1):c.2028C>T (p.Phe676=)

Genes: RTEL1 (regulator of telomere elongation helicase 1; plus strand), RTEL1-TNFRSF6B (RTEL1-TNFRSF6B readthrough (NMD candidate); plus strand). Cytogenetic location: 20q13.33.
Variant type: single nucleotide variant.
Coding change: c.2028C>T on transcript NM_001283009.2 (MANE Select); coding-DNA position 2028, C replaced by T.
Protein change: p.Phe676=; no amino-acid change (phenylalanine 676 retained).
Molecular consequence: synonymous variant. On other transcripts: non-coding transcript variant (1).
Genome position (GRCh38, 1-based): chr20:63,689,752, C>T. VCF-style: chr20-63689752-C-T. GRCh37 (hg19) VCF-style: chr20-62321105-C-T.
Other names: c.1359C>T, p.Phe453= (NM_001283010.1); c.2028C>T, p.Phe676= (NM_016434.4); c.2100C>T, p.Phe700= (NM_032957.5).
Identifiers: ClinVar variation 2933797 (VCV002933797.3), dbSNP rs746382488, ClinGen allele CA317513076.

ClinVar aggregate classification (germline): Uncertain significance (1 of 4 stars; one submission).

Conditions:
Pulmonary fibrosis and/or bone marrow failure, Telomere-related, 3. Also called: PULMONARY FIBROSIS AND/OR BONE MARROW FAILURE SYNDROME, TELOMERE-RELATED, 3. Identifiers: Orphanet 2032, MedGen C4225346, MONDO:0014613, OMIM 616373.
Dyskeratosis congenita, autosomal recessive 5 (DKCB5). Identifiers: MedGen C3554656, MONDO:0014076, OMIM 615190.

Allele frequency attached by ClinVar (database versions not stated): gnomAD exomes below 0.00001.
gnomAD v4.1: 2 of 1,611,606 alleles (0.00012%); highest among the groups gnomAD compares: Non-Finnish European, 0.00017%; no homozygotes.

Submission:

Labcorp Genetics (formerly Invitae), Labcorp
Classification: Uncertain significance for Dyskeratosis congenita, autosomal recessive 5; Pulmonary fibrosis and/or bone marrow failure, Telomere-related, 3. Last evaluated: 2023-12-07. Review status: criteria provided, single submitter. Criteria: Invitae Variant Classification Sherloc (09022015). Collection method: clinical testing. Allele origin: germline.
Comment: This sequence change affects codon 676 of the RTEL1 mRNA. It is a 'silent' change, meaning that it does not change the encoded amino acid sequence of the RTEL1 protein. This variant is not present in population databases (gnomAD no frequency). This variant has not been reported in the literature in individuals affected with RTEL1-related conditions. Algorithms developed to predict the effect of sequence changes on RNA splicing suggest that this variant may create or strengthen a splice site. In summary, the available evidence is currently insufficient to determine the role of this variant in disease. Therefore, it has been classified as a Variant of Uncertain Significance.